The following is an entry in ClinVar:

NM_173628.4(DNAH17):c.2517C>T (p.Ile839=)

Gene: DNAH17 (dynein axonemal heavy chain 17; minus strand). Cytogenetic location: 17q25.3.
Variant type: single nucleotide variant.
Coding change: c.2517C>T on transcript NM_173628.4 (MANE Select); coding-DNA position 2517, C replaced by T.
Protein change: p.Ile839=; no amino-acid change (isoleucine 839 retained).
Molecular consequence: synonymous variant.
Genome position (GRCh38, 1-based): chr17:78,543,872, G>A on the plus strand (C>T on the coding strand, the complement: DNAH17 is on the minus strand). VCF-style: chr17-78543872-G-A. GRCh37 (hg19) VCF-style: chr17-76539954-G-A.
Identifiers: ClinVar variation 3052167 (VCV003052167.2), dbSNP rs147652188, ClinGen allele CA8804658.

ClinVar aggregate classification (germline): Likely benign (0 of 4 stars; one submission).

Conditions:
DNAH17-related disorder. Also called: DNAH17-related condition.

Allele frequency attached by ClinVar (database versions not stated): ExAC 0.00016; 1000 Genomes Project 0.00040; gnomAD 0.00044; TOPMed 0.00045; 1000 Genomes Project 30x 0.00062; ESP Exome Variant Server 0.00069.
gnomAD v4.1: 140 of 1,614,026 alleles (0.0087%); highest among the groups gnomAD compares: African/African-American, 0.17%; 1 homozygote.

Submission:

PreventionGenetics, part of Exact Sciences
Classification: Likely benign for DNAH17-related condition. Last evaluated: 2019-02-18. Review status: no assertion criteria provided. Collection method: clinical testing. Allele origin: germline.
Comment: This variant is classified as likely benign based on ACMG/AMP sequence variant interpretation guidelines (Richards et al. 2015 PMID: 25741868, with internal and published modifications).